The following is an entry in ClinVar:

ClinVar aggregate classification (germline): Uncertain significance (1 of 4 stars; one submission).

Conditions:
Autosomal dominant hypocalcemia 1 (HYPOC1). Also called: HYPOCALCEMIA, FAMILIAL. Identifiers: MedGen C3715128, MONDO:0011013, OMIM 601198.
Familial hypocalciuric hypercalcemia (FHH). Also called: Familial benign hypercalcemia. Identifiers: Orphanet 405, MedGen C1809471, MONDO:0018458.

Submission:

Labcorp Genetics (formerly Invitae), Labcorp
Classification: Uncertain significance for Familial hypocalciuric hypercalcemia; Autosomal dominant hypocalcemia 1. Last evaluated: 2023-10-14. Review status: criteria provided, single submitter. Criteria: Invitae Variant Classification Sherloc (09022015). Collection method: clinical testing. Allele origin: germline.
Comment: This sequence change replaces arginine, which is basic and polar, with lysine, which is basic and polar, at codon 62 of the CASR protein (p.Arg62Lys). This variant also falls at the last nucleotide of exon 2, which is part of the consensus splice site for this exon. This variant is not present in population databases (gnomAD no frequency). This variant has not been reported in the literature in individuals affected with CASR-related conditions. An algorithm developed to predict the effect of missense changes on protein structure and function (PolyPhen-2) suggests that this variant is likely to be disruptive. Variants that disrupt the consensus splice site are a relatively common cause of aberrant splicing (PMID: 17576681, 9536098). Algorithms developed to predict the effect of sequence changes on RNA splicing suggest that this variant may disrupt the consensus splice site. In summary, the available evidence is currently insufficient to determine the role of this variant in disease. Therefore, it has been classified as a Variant of Uncertain Significance.

Literature cited by the submitters: PubMed 17576681; PubMed 9536098.

NM_000388.4(CASR):c.185G>A (p.Arg62Lys)

Gene: CASR (calcium sensing receptor; plus strand). Cytogenetic location: 3q21.1.
Variant type: single nucleotide variant.
Coding change: c.185G>A on transcript NM_000388.4 (MANE Select); coding-DNA position 185, G replaced by A.
Protein change: p.Arg62Lys; replaces arginine 62 with lysine.
Molecular consequence: missense variant.
Genome position (GRCh38, 1-based): chr3:122,254,374, G>A. VCF-style: chr3-122254374-G-A. GRCh37 (hg19) VCF-style: chr3-121973221-G-A.
Other names: c.185G>A, p.Arg62Lys (NM_001178065.2); short protein forms R62K.
Identifiers: ClinVar variation 2948882 (VCV002948882.3), dbSNP rs121909265, ClinGen allele CA354362315.